The following is an entry in ClinVar:

ClinVar aggregate classification (germline): Conflicting classifications of pathogenicity. Review status: criteria provided, conflicting classifications (1 of 4 stars). 2 submissions from 2 submitters: Uncertain significance (1); Likely benign (1). Last evaluated 2025-11-04.

Conditions:
Mitochondrial DNA depletion syndrome 13. Also called: FBXL4-Related Encephalomyopathic Mitochondrial DNA Depletion Syndrome; Mitochondrial DNA depletion syndrome 13 (encephalomyopathic type). Identifiers: Orphanet 369897, MedGen C3809592, MONDO:0014198, OMIM 615471.

Allele frequency attached by ClinVar (database versions not stated): gnomAD below 0.00001 and 0.00001; ExAC 0.00001; gnomAD exomes 0.00001 and 0.00002; TOPMed 0.00001.
gnomAD v4.1: 13 of 1,614,114 alleles (0.00081%); highest among the groups gnomAD compares: South Asian, 0.0099%; no homozygotes.

Submissions (2):

Labcorp Genetics (formerly Invitae), Labcorp
Classification: Likely benign. Last evaluated: 2025-11-04. Review status: criteria provided, single submitter. Criteria: Invitae Variant Classification Sherloc (09022015). Collection method: clinical testing. Allele origin: germline.

Wong Mito Lab, Molecular and Human Genetics, Baylor College of Medicine
Classification: Uncertain significance for Mitochondrial DNA depletion syndrome 13. Last evaluated: 2017-08-10. Review status: criteria provided, single submitter. Criteria: ACMG Guidelines, 2015. Collection method: reference population. Allele origin: germline.
Comment: The NM_012160.4:c.252A>G (NP_036292.2:p.Val84=) [GRCH38: NC_000006.12:g.98926737T>C] variant in FBXL4 gene is interpretated to be a Uncertain Significance - Insufficient Evidence based on ACMG guidelines (PMID: 25741868). This variant meets one or more of the following evidence codes reported in the ACMG-guideline. PM2:This variant is absent in key population databases. PP3:Computational evidence/predictors indicate the variant has deleterious effect on FBXL4 structure, function, or protein-protein interaction. Based on this evidence code ClinGen Pathogenicity Calculator (PMID:28081714) suggested that the variant is Uncertain Significance - Insufficient Evidence.

NM_001278716.2(FBXL4):c.252A>G (p.Val84=)

Gene: FBXL4 (F-box and leucine rich repeat protein 4; minus strand). Cytogenetic location: 6q16.2.
Variant type: single nucleotide variant.
Coding change: c.252A>G on transcript NM_001278716.2 (MANE Select); coding-DNA position 252, A replaced by G.
Protein change: p.Val84=; no amino-acid change (valine 84 retained).
Molecular consequence: synonymous variant. On other transcripts: non-coding transcript variant (2).
Genome position (GRCh38, 1-based): chr6:98,926,737, T>C on the plus strand (A>G on the coding strand, the complement: FBXL4 is on the minus strand). VCF-style: chr6-98926737-T-C. GRCh37 (hg19) VCF-style: chr6-99374613-T-C.
Other names: c.252A>G, p.Val84= (NM_012160.5).
Identifiers: ClinVar variation 437558 (VCV000437558.3), dbSNP rs756896976, ClinGen allele CA3933713.